The following is an entry in ClinVar:

NM_178859.4(SLC51B):c.64G>A (p.Glu22Lys)

Genes: RASL12 (RAS like family 12; minus strand), SLC51B (SLC51 subunit beta; plus strand). Cytogenetic location: 15q22.31.
Variant type: single nucleotide variant.
Coding change: c.64G>A on transcript NM_178859.4 (MANE Select); coding-DNA position 64, G replaced by A.
Protein change: p.Glu22Lys; replaces glutamic acid 22 with lysine.
Molecular consequence: missense variant.
Genome position (GRCh38, 1-based): chr15:65,050,068, G>A. VCF-style: chr15-65050068-G-A. GRCh37 (hg19) VCF-style: chr15-65342406-G-A.
Other names: short protein forms E22K.
Identifiers: ClinVar variation 2013353 (VCV002013353.4), dbSNP rs771457741, ClinGen allele CA271519357.

ClinVar aggregate classification (germline): Uncertain significance (1 of 4 stars; one submission).

Allele frequency attached by ClinVar (database versions not stated): TOPMed below 0.00001; gnomAD 0.00001; gnomAD exomes 0.00001.
gnomAD v4.1: 15 of 1,551,662 alleles (0.00097%); highest among the groups gnomAD compares: Non-Finnish European, 0.0013%; no homozygotes.

Submission:

Labcorp Genetics (formerly Invitae), Labcorp
Classification: Uncertain significance. Last evaluated: 2022-10-26. Review status: criteria provided, single submitter. Criteria: Invitae Variant Classification Sherloc (09022015). Collection method: clinical testing. Allele origin: germline.
Comment: This sequence change replaces glutamic acid, which is acidic and polar, with lysine, which is basic and polar, at codon 22 of the SLC51B protein (p.Glu22Lys). This variant is not present in population databases (gnomAD no frequency). This variant has not been reported in the literature in individuals affected with SLC51B-related conditions. Algorithms developed to predict the effect of missense changes on protein structure and function output the following: SIFT: "Deleterious"; PolyPhen-2: "Benign"; Align-GVGD: "Class C0". The lysine amino acid residue is found in multiple mammalian species, which suggests that this missense change does not adversely affect protein function. In summary, the available evidence is currently insufficient to determine the role of this variant in disease. Therefore, it has been classified as a Variant of Uncertain Significance.